The following is an entry in ClinVar:

ClinVar aggregate classification (germline): Likely benign. Review status: criteria provided, single submitter (1 of 4 stars). 2 submissions from 2 submitters: Likely benign (1). 1 of the submissions does not count toward it. Last evaluated 2018-10-10.

Conditions:
AFF2-related disorder. Also called: AFF2-related condition.

Submissions (2):

Labcorp Genetics (formerly Invitae), Labcorp
Classification: Likely benign. Last evaluated: 2018-10-10. Review status: criteria provided, single submitter. Criteria: Invitae Variant Classification Sherloc (09022015). Collection method: clinical testing. Allele origin: germline.

PreventionGenetics, part of Exact Sciences
Classification: Likely benign for AFF2-related condition. Last evaluated: 2019-12-16. Review status: no assertion criteria provided. Collection method: clinical testing. Allele origin: germline. Not counted in ClinVar's aggregate classification.
Comment: This variant is classified as likely benign based on ACMG/AMP sequence variant interpretation guidelines (Richards et al. 2015 PMID: 25741868, with internal and published modifications).

NM_002025.4(AFF2):c.3002_3031del (p.Ile1001_Ala1010del)

Gene: AFF2 (ALF transcription elongation factor 2; plus strand). Cytogenetic location: Xq28.
Variant type: Deletion.
Coding change: c.3002_3031del on transcript NM_002025.4 (MANE Select); coding-DNA positions 3002 to 3031, 30 bases deleted (TTGTCACCACCACTGTCACAGCTACTGCCA).
Protein change: p.Ile1001_Ala1010del.
Molecular consequence: inframe deletion.
Genome position (GRCh38, 1-based): chrX:148,966,878-148,966,907, TTGTCACCACCACTGTCACAGCTACTGCCA deleted; deleting any 30 consecutive bases within chrX:148,966,868-148,966,907 gives the same sequence; the c. name uses the placement nearest the transcript's 3' end. VCF-style (leftmost placement, unchanged base first): chrX-148966867-TGCTACTGCCATTGTCACCACCACTGTCACA-T. GRCh37 (hg19) VCF-style: chrX-148048397-TGCTACTGCCATTGTCACCACCACTGTCACA-T.
Other names: c.2897_2926del, p.Ile966_Ala975del (NM_001169122.2, NM_001169124.2); c.2972_3001del, p.Ile991_Ala1000del (NM_001169123.2); c.2885_2914del, p.Ile962_Ala971del (NM_001169125.2); c.1925_1954del, p.Ile642_Ala651del (NM_001170628.1); c.3002_3031del30 (NM_002025.3).
Identifiers: ClinVar variation 774549 (VCV000774549.5), dbSNP rs782447736, ClinGen allele CA10537232.